The following is an entry in ClinVar:

ClinVar aggregate classification (germline): Uncertain significance. Review status: criteria provided, multiple submitters, no conflicts (2 of 4 stars). 5 submissions from 5 submitters: Uncertain significance (5). Last evaluated 2025-06-18.

Conditions:
Hereditary cancer-predisposing syndrome. Also called: Neoplastic Syndromes, Hereditary; Tumor predisposition; Hereditary Cancer Syndrome; Hereditary neoplastic syndrome. Identifiers: Orphanet 140162, MedGen C0027672, MeSH D009386, MONDO:0015356.
Breast-ovarian cancer, familial, susceptibility to, 4. Identifiers: Orphanet 145, MedGen C3280345, MONDO:0013669, OMIM 614291.

Allele frequency attached by ClinVar (database versions not stated): gnomAD exomes below 0.00001.
gnomAD v4.1: 1 of 1,611,358 alleles (0.000062%); no homozygotes.

Submissions (5):

Labcorp Genetics (formerly Invitae), Labcorp
Classification: Uncertain significance for Breast-ovarian cancer, familial, susceptibility to, 4. Last evaluated: 2025-06-18. Review status: criteria provided, single submitter. Criteria: Invitae Variant Classification Sherloc (09022015). Collection method: clinical testing. Allele origin: germline.
Comment: This sequence change replaces alanine, which is neutral and non-polar, with threonine, which is neutral and polar, at codon 238 of the RAD51D protein (p.Ala238Thr). The frequency data for this variant in the population databases is considered unreliable, as metrics indicate poor data quality at this position in the gnomAD database. This variant has not been reported in the literature in individuals affected with RAD51D-related conditions. ClinVar contains an entry for this variant (Variation ID: 141910). Invitae Evidence Modeling of protein sequence and biophysical properties (such as structural, functional, and spatial information, amino acid conservation, physicochemical variation, residue mobility, and thermodynamic stability) indicates that this missense variant is not expected to disrupt RAD51D protein function with a negative predictive value of 80%. In summary, the available evidence is currently insufficient to determine the role of this variant in disease. Therefore, it has been classified as a Variant of Uncertain Significance.

Ambry Genetics
Classification: Uncertain significance for Hereditary cancer-predisposing syndrome. Last evaluated: 2024-08-12. Review status: criteria provided, single submitter. Criteria: Ambry Variant Classification Scheme 2023. Collection method: clinical testing. Allele origin: germline.
Comment: The p.A238T variant (also known as c.712G>A), located in coding exon 8 of the RAD51D gene, results from a G to A substitution at nucleotide position 712. The alanine at codon 238 is replaced by threonine, an amino acid with similar properties. This amino acid position is highly conserved in available vertebrate species. In addition, this alteration is predicted to be deleterious by in silico analysis. Since supporting evidence is limited at this time, the clinical significance of this alteration remains unclear.

Color Diagnostics, LLC DBA Color Health
Classification: Uncertain significance for Hereditary cancer-predisposing syndrome. Last evaluated: 2024-01-22. Review status: criteria provided, single submitter. Criteria: ACMG Guidelines, 2015. Collection method: clinical testing. Allele origin: germline.
Comment: This missense variant replaces alanine with threonine at codon 238 of the RAD51D protein. Computational prediction suggests that this variant may not impact protein structure and function (internally defined REVEL score threshold <= 0.5, PMID: 27666373). To our knowledge, functional studies have not been reported for this variant. This variant has not been reported in individuals affected with RAD51D-related disorders in the literature. This variant has been identified in 1/245582 chromosomes in the general population by the Genome Aggregation Database (gnomAD). The available evidence is insufficient to determine the role of this variant in disease conclusively. Therefore, this variant is classified as a Variant of Uncertain Significance.

Baylor Genetics
Classification: Uncertain significance for Breast-ovarian cancer, familial, susceptibility to, 4. Last evaluated: 2023-12-26. Review status: criteria provided, single submitter. Criteria: ACMG Guidelines, 2015. Collection method: clinical testing. Allele origin: unknown.

GeneDx
Classification: Uncertain significance. Last evaluated: 2022-12-01. Review status: criteria provided, single submitter. Criteria: GeneDx Variant Classification Process June 2021. Collection method: clinical testing. Allele origin: germline. Affected: yes.
Comment: Not observed at significant frequency in large population cohorts (gnomAD); In silico analysis supports that this missense variant has a deleterious effect on protein structure/function; Has not been previously published as pathogenic or benign to our knowledge; This variant is associated with the following publications: (PMID: 21111057, 14704354, 19327148)

NM_002878.4(RAD51D):c.712G>A (p.Ala238Thr)

Genes: RAD51D (RAD51 paralog D; minus strand), RAD51L3-RFFL (RAD51L3-RFFL readthrough; minus strand). Cytogenetic location: 17q12.
Variant type: single nucleotide variant.
Coding change: c.712G>A on transcript NM_002878.4 (MANE Select); coding-DNA position 712, G replaced by A.
Protein change: p.Ala238Thr; replaces alanine 238 with threonine.
Molecular consequence: missense variant. On other transcripts: non-coding transcript variant (3).
Genome position (GRCh38, 1-based): chr17:35,103,280, C>T on the plus strand (G>A on the coding strand, the complement: RAD51D is on the minus strand). VCF-style: chr17-35103280-C-T. GRCh37 (hg19) VCF-style: chr17-33430299-C-T.
Other names: c.772G>A, p.Ala258Thr (NM_001142571.2); c.376G>A, p.Ala126Thr (NM_133629.3); short protein forms A238T, A258T, A126T.
Identifiers: ClinVar variation 141910 (VCV000141910.18), dbSNP rs587782104, ClinGen allele CA166762.
Genomic context (GRCh38, chr17:35,103,280, plus strand): 5'-AAATCAAGTTCATTGGCCAAGCCTGCTTCCTCACCACCACTGCCATGCCAAGGTCCCGGG[C>T]CAGGGTCTTCAGCTCTCGGGCCAGCTGCATCATCAAGGCCAAGCCTGCAGGAGGAGGAGA-3'
Protein context (NP_002869.3, residues 228-248): MQLARELKTL[Ala238Thr]RDLGMAVVVT